The following is an entry in ClinVar:

NM_001458.5(FLNC):c.7486G>T (p.Val2496Phe)

Genes: FLNC-AS1 (FLNC antisense RNA 1; minus strand), FLNC (filamin C; plus strand). Cytogenetic location: 7q32.1.
Variant type: single nucleotide variant.
Coding change: c.7486G>T on transcript NM_001458.5 (MANE Select); coding-DNA position 7486, G replaced by T.
Protein change: p.Val2496Phe; replaces valine 2496 with phenylalanine.
Molecular consequence: missense variant.
Genome position (GRCh38, 1-based): chr7:128,856,846, G>T. VCF-style: chr7-128856846-G-T. GRCh37 (hg19) VCF-style: chr7-128496900-G-T.
Other names: c.7387G>T, p.Val2463Phe (NM_001127487.2); short protein forms V2496F, V2463F.
Identifiers: ClinVar variation 634579 (VCV000634579.12), dbSNP rs200295337, ClinGen allele CA4476283.

ClinVar aggregate classification (germline): Uncertain significance. Review status: criteria provided, multiple submitters, no conflicts (2 of 4 stars). 3 submissions from 3 submitters: Uncertain significance (3). Last evaluated 2024-09-29.

Conditions:
Cardiovascular phenotype. Identifiers: MedGen CN230736.
Distal myopathy with posterior leg and anterior hand involvement. Also called: WILLIAMS DISTAL MYOPATHY. Identifiers: Orphanet 63273, MedGen C3279722, MONDO:0013550, OMIM 614065.
Hypertrophic cardiomyopathy 26. Also called: Cardiomyopathy, familial hypertrophic, 26. Identifiers: Orphanet 75249, MedGen C4310749, MONDO:0014883, OMIM 617047.
Myofibrillar myopathy 5. Also called: Filaminopathy (type); FILAMINOPATHY, AUTOSOMAL DOMINANT. Identifiers: Orphanet 171445, MedGen C1836050, MONDO:0012289, OMIM 609524.

gnomAD v4.1: 6 of 1,614,212 alleles (0.00037%); highest among the groups gnomAD compares: Middle Eastern, 0.016%; no homozygotes.

Submissions (3):

Labcorp Genetics (formerly Invitae), Labcorp
Classification: Uncertain significance for Distal myopathy with posterior leg and anterior hand involvement; Myofibrillar myopathy 5; Hypertrophic cardiomyopathy 26. Last evaluated: 2024-09-29. Review status: criteria provided, single submitter. Criteria: Invitae Variant Classification Sherloc (09022015). Collection method: clinical testing. Allele origin: germline.
Comment: This sequence change replaces valine, which is neutral and non-polar, with phenylalanine, which is neutral and non-polar, at codon 2496 of the FLNC protein (p.Val2496Phe). This variant is present in population databases (rs200295337, gnomAD 0.002%). This variant has not been reported in the literature in individuals affected with FLNC-related conditions. ClinVar contains an entry for this variant (Variation ID: 634579). Invitae Evidence Modeling of protein sequence and biophysical properties (such as structural, functional, and spatial information, amino acid conservation, physicochemical variation, residue mobility, and thermodynamic stability) indicates that this missense variant is not expected to disrupt FLNC protein function with a negative predictive value of 80%. In summary, the available evidence is currently insufficient to determine the role of this variant in disease. Therefore, it has been classified as a Variant of Uncertain Significance.

Ambry Genetics
Classification: Uncertain significance for Cardiovascular phenotype. Last evaluated: 2023-05-11. Review status: criteria provided, single submitter. Criteria: Ambry Variant Classification Scheme 2023. Collection method: clinical testing. Allele origin: germline.
Comment: The p.V2496F variant (also known as c.7486G>T), located in coding exon 45 of the FLNC gene, results from a G to T substitution at nucleotide position 7486. The valine at codon 2496 is replaced by phenylalanine, an amino acid with highly similar properties. This amino acid position is highly conserved in available vertebrate species. In addition, this alteration is predicted to be deleterious by in silico analysis. Since supporting evidence is limited at this time, the clinical significance of this alteration remains unclear.

Genomic Research Center, Shahid Beheshti University of Medical Sciences
Classification: Uncertain significance. Last evaluated: 2019-01-01. Review status: criteria provided, single submitter. Criteria: ACMG Guidelines, 2015. Collection method: clinical testing. Allele origin: unknown. Affected: yes. Observed: 1 variant allele.